The following is an entry in ClinVar:

ClinVar aggregate classification (germline): Uncertain significance (1 of 4 stars; one submission).

Submission:

GeneDx
Classification: Uncertain significance. Last evaluated: 2026-04-02. Review status: criteria provided, single submitter. Criteria: GeneDx Variant Classification Process June 2021. Collection method: clinical testing. Allele origin: germline.
Comment: Has not been previously published as pathogenic or benign to our knowledge; No data available from control populations to assess the frequency of this variant; Located in a regulatory region; in the absence of functional studies, the actual effect of this sequence change is unknown

NM_002143.3(HPCA):c.-22+5G>A

Gene: HPCA (hippocalcin; plus strand). Cytogenetic location: 1p35.1.
Variant type: single nucleotide variant.
Coding change: c.-22+5G>A on transcript NM_002143.3 (MANE Select); 5 bases into the intron after 22 bases upstream of the start codon, G replaced by A.
Molecular consequence: intron variant.
Genome position (GRCh38, 1-based): chr1:32,886,520, G>A. VCF-style: chr1-32886520-G-A. GRCh37 (hg19) VCF-style: chr1-33352121-G-A.
Identifiers: ClinVar variation 5018138 (VCV005018138.1).
Genomic context (GRCh38, chr1:32,886,520, plus strand): 5'-GCGCGCGCCGCAGCAGCGCCGCCTTCCCTGCGCAGTCGGTGTCTCCGCGTCGCTGGGTGA[G>A]TGGGGGCAGCTCCAGCCGGGGCCGGGGGATGAGGGCAGGGGGTTCCCGGAGCTGGGGGCC-3'